The following is an entry in ClinVar:

NM_020987.5(ANK3):c.217-2A>G

Gene: ANK3 (ankyrin 3; minus strand). Cytogenetic location: 10q21.2.
Variant type: single nucleotide variant.
Coding change: c.217-2A>G on transcript NM_020987.5 (MANE Select); the canonical splice acceptor site of the intron before coding-DNA position 217, A replaced by G.
Molecular consequence: splice acceptor variant.
Genome position (GRCh38, 1-based): chr10:60,279,150, T>C on the plus strand (A>G on the coding strand, the complement: ANK3 is on the minus strand). VCF-style: chr10-60279150-T-C. GRCh37 (hg19) VCF-style: chr10-62038908-T-C.
Other names: c.199-2A>G (NM_001204403.2); c.166-2A>G (NM_001204404.2); c.217-2A>G (NM_001320874.2).
Identifiers: ClinVar variation 3776409 (VCV003776409.2).
Genomic context (GRCh38, chr10:60,279,150, plus strand): 5'-TCAGAAACAACCTCTACATGGCCTTCTTTGGAAGCAAGGTGGAGAGCGTTCAACCCATTC[T>C]GATTAAAAGTAAAGGAAAAGCTCTACTCAGCAGGTTGAAAATAGAGCAGTAAACAACCGA-3'

ClinVar aggregate classification (germline): Likely pathogenic (1 of 4 stars; one submission).

Submission:

GeneDx
Classification: Likely pathogenic. Last evaluated: 2025-05-09. Review status: criteria provided, single submitter. Criteria: GeneDx Variant Classification Process June 2021. Collection method: clinical testing. Allele origin: germline.
Comment: Canonical splice site variant predicted to result in an in-frame loss of the adjacent exon in a gene for which loss of function is a known mechanism of disease; Not observed at significant frequency in large population cohorts (gnomAD); Has not been previously published as pathogenic or benign to our knowledge